The following is an entry in ClinVar:

NM_000059.4(BRCA2):c.2289T>A (p.His763Gln)

Gene: BRCA2 (BRCA2 DNA repair associated; plus strand). Cytogenetic location: 13q13.1.
Variant type: single nucleotide variant.
Coding change: c.2289T>A on transcript NM_000059.4 (MANE Select); coding-DNA position 2289, T replaced by A.
Protein change: p.His763Gln; replaces histidine 763 with glutamine.
Molecular consequence: missense variant.
Genome position (GRCh38, 1-based): chr13:32,336,644, T>A. VCF-style: chr13-32336644-T-A. GRCh37 (hg19) VCF-style: chr13-32910781-T-A.
Other names: c.2289T>A, p.His763Gln (NM_001406719.1, NM_001406720.1); short protein forms H763Q.
Identifiers: ClinVar variation 1789059 (VCV001789059.4), dbSNP rs781443201, ClinGen allele CA387771217.

ClinVar aggregate classification (germline): Conflicting classifications of pathogenicity. Review status: criteria provided, conflicting classifications (1 of 4 stars). 2 submissions from 2 submitters: Uncertain significance (1); Likely benign (1). Last evaluated 2023-03-23.

Conditions:
Hereditary cancer-predisposing syndrome. Also called: Hereditary Cancer Syndrome; Hereditary neoplastic syndrome; Tumor predisposition; Neoplastic Syndromes, Hereditary. Identifiers: Orphanet 140162, MedGen C0027672, MeSH D009386, MONDO:0015356.

Submissions (2):

University of Washington Department of Laboratory Medicine, University of Washington
Classification: Likely benign for Hereditary cancer-predisposing syndrome. Last evaluated: 2023-03-23. Review status: criteria provided, single submitter. Criteria: Dines et al. (Genet Med. 2020). Collection method: curation. Allele origin: germline.
Comment: Missense variant in a coldspot region where missense variants are very unlikely to be pathogenic (PMID:31911673).

BRCA2 exon 11 coldspot. Reclassification based on statistical prior probability.

Ambry Genetics
Classification: Uncertain significance for Hereditary cancer-predisposing syndrome. Last evaluated: 2015-11-02. Review status: criteria provided, single submitter. Criteria: Ambry Variant Classification Scheme 2023. Collection method: clinical testing. Allele origin: germline.
Comment: The p.H763Q variant (also known as c.2289T>A), located in coding exon 10 of the BRCA2 gene, results from a T to A substitution at nucleotide position 2289. The histidine at codon 763 is replaced by glutamine, an amino acid with highly similar properties. This variant was not reported in population based cohorts in the following databases: Database of Single Nucleotide Polymorphisms (dbSNP), NHLBI Exome Sequencing Project (ESP), and 1000 Genomes Project. In the ESP, this variant was not observed in 6503 samples (13006 alleles) with coverage at this position. To date, this alteration has been detected with an allele frequency of approximately 0.0004% (greater than 225000 alleles tested) in our clinical cohort. This amino acid position is not well conserved in available vertebrate species. In addition, this alteration is predicted to be tolerated by in silico analysis. Since supporting evidence is limited at this time, the clinical significance of p.H763Q remains unclear.

Literature cited by the submitters: PubMed 25980754 (cited by Ambry Genetics).